The following is an entry in ClinVar:

ClinVar aggregate classification (germline): Conflicting classifications of pathogenicity. Review status: criteria provided, conflicting classifications (1 of 4 stars). 3 submissions from 3 submitters: Uncertain significance (1); Likely benign (2). Last evaluated 2026-09-22.

Conditions:
Cardiovascular phenotype. Identifiers: MedGen CN230736.
Hereditary cancer-predisposing syndrome. Also called: Hereditary neoplastic syndrome; Neoplastic Syndromes, Hereditary; Tumor predisposition; Hereditary Cancer Syndrome. Identifiers: Orphanet 140162, MedGen C0027672, MeSH D009386, MONDO:0015356.
Neurofibromatosis, type 1 (NF1). Also called: Neurofibromatosis, type I; Peripheral type neurofibromatosis; VON RECKLINGHAUSEN DISEASE; NEUROFIBROMATOSIS, TYPE I, SOMATIC. Identifiers: Orphanet 636, MedGen C0027831, MONDO:0018975, OMIM 162200. Disease mechanism: loss of function.

gnomAD v4.1: 1 of 1,586,672 alleles (0.000063%); highest among the groups gnomAD compares: Admixed American, 0.0017%; no homozygotes.

Submissions (3):

Myriad Genetics, Inc.
Classification: Likely benign for Neurofibromatosis, type 1. Last evaluated: 2026-09-22. Review status: criteria provided, single submitter. Criteria: Myriad Autosomal Dominant, Autosomal Recessive and X-Linked Classification Criteria (2023). Collection method: clinical testing. Allele origin: unknown.
Comment: This variant is considered likely benign. This variant is intronic and is not expected to impact mRNA splicing.

Labcorp Genetics (formerly Invitae), Labcorp
Classification: Likely benign for Neurofibromatosis, type 1. Last evaluated: 2025-04-22. Review status: criteria provided, single submitter. Criteria: Invitae Variant Classification Sherloc (09022015). Collection method: clinical testing. Allele origin: germline.

Ambry Genetics
Classification: Uncertain significance for Cardiovascular phenotype; Hereditary cancer-predisposing syndrome. Last evaluated: 2021-02-26. Review status: criteria provided, single submitter. Criteria: Ambry Variant Classification Scheme 2023. Collection method: clinical testing. Allele origin: germline.
Comment: The c.3114-4A>C intronic alteration consists of a A to C substitution 4 nucleotides before coding exon 24 in the NF1 gene. Based on insufficient or conflicting evidence, the clinical significance of this alteration remains unclear.

NM_001042492.3(NF1):c.3114-4A>C

Gene: NF1 (neurofibromin 1; plus strand). Cytogenetic location: 17q11.2.
Variant type: single nucleotide variant.
Coding change: c.3114-4A>C on transcript NM_001042492.3 (MANE Select); 4 bases into the intron before coding-DNA position 3114, A replaced by C.
Molecular consequence: intron variant.
Genome position (GRCh38, 1-based): chr17:31,230,838, A>C. VCF-style: chr17-31230838-A-C. GRCh37 (hg19) VCF-style: chr17-29557856-A-C.
Other names: c.3114-4A>C (NM_000267.4).
Identifiers: ClinVar variation 703390 (VCV000703390.10), dbSNP rs201550230, ClinGen allele CA625470679.